The following is an entry in ClinVar:

NM_013338.5(ALG5):c.613A>G (p.Ile205Val)

Gene: ALG5 (ALG5 dolichyl-phosphate beta-glucosyltransferase; minus strand). Cytogenetic location: 13q13.3.
Variant type: single nucleotide variant.
Coding change: c.613A>G on transcript NM_013338.5 (MANE Select); coding-DNA position 613, A replaced by G.
Protein change: p.Ile205Val; replaces isoleucine 205 with valine.
Molecular consequence: missense variant.
Genome position (GRCh38, 1-based): chr13:36,971,985, T>C on the plus strand (A>G on the coding strand, the complement: ALG5 is on the minus strand). VCF-style: chr13-36971985-T-C. GRCh37 (hg19) VCF-style: chr13-37546122-T-C.
Other names: c.523A>G, p.Ile175Val (NM_001142364.1); short protein forms I175V, I205V.
Identifiers: ClinVar variation 3036667 (VCV003036667.3), dbSNP rs139380212, ClinGen allele CA6950798.
Genomic context (GRCh38, chr13:36,971,985, plus strand): 5'-AGAAATAAAAGCCAATTAATTGGCTGTCCCATGCCAATTAATGAAGTCTCACCTGAGCAA[T>C]TGATTCTTTTTCTAAATGAGCTCGAGATCCACATGCTATAGCCATTTGATTCTGAGGGAA-3'
Protein context (NP_037470.1, residues 195-215): GSRAHLEKES[Ile205Val]AQRSYFRTLL

ClinVar aggregate classification (germline): Uncertain significance. Review status: criteria provided, single submitter (1 of 4 stars). 2 submissions from 2 submitters: Uncertain significance (1). 1 of the submissions does not count toward it. Last evaluated 2024-08-20.

Conditions:
ALG5-related disorder. Also called: ALG5-related condition.

Allele frequency attached by ClinVar (database versions not stated): ExAC 0.00001; gnomAD exomes 0.00001; TOPMed 0.00004; gnomAD 0.00005; ESP Exome Variant Server 0.00008.
gnomAD v4.1: 15 of 1,604,644 alleles (0.00093%); highest among the groups gnomAD compares: African/African-American, 0.008%; no homozygotes.

Submissions (2):

Ambry Genetics
Classification: Uncertain significance. Last evaluated: 2024-08-20. Review status: criteria provided, single submitter. Criteria: Ambry Variant Classification Scheme 2023. Collection method: clinical testing. Allele origin: germline.

PreventionGenetics, part of Exact Sciences
Classification: Uncertain significance for ALG5-related condition. Last evaluated: 2023-12-26. Review status: no assertion criteria provided. Collection method: clinical testing. Allele origin: germline. Not counted in ClinVar's aggregate classification.
Comment: The ALG5 c.613A>G variant is predicted to result in the amino acid substitution p.Ile205Val. To our knowledge, this variant has not been reported in the literature. This variant is reported in 0.016% of alleles in individuals of African descent in gnomAD. At this time, the clinical significance of this variant is uncertain due to the absence of conclusive functional and genetic evidence.